The following is an entry in ClinVar:

ClinVar aggregate classification (germline): Pathogenic/Likely pathogenic. Review status: criteria provided, multiple submitters, no conflicts (2 of 4 stars). 2 submissions from 2 submitters: Pathogenic (1); Likely pathogenic (1). Last evaluated 2025-03-30.

Conditions:
Schimke immuno-osseous dysplasia (SIOD). Also called: Schimke Immunoosseous Dysplasia. Identifiers: Orphanet 1830, MedGen C0877024, MONDO:0009458, OMIM 242900.

Submissions (2):

Labcorp Genetics (formerly Invitae), Labcorp
Classification: Pathogenic for Schimke immuno-osseous dysplasia. Last evaluated: 2025-03-30. Review status: criteria provided, single submitter. Criteria: Invitae Variant Classification Sherloc (09022015). Collection method: clinical testing. Allele origin: germline.
Comment: This sequence change creates a premature translational stop signal (p.Gln237*) in the SMARCAL1 gene. It is expected to result in an absent or disrupted protein product. Loss-of-function variants in SMARCAL1 are known to be pathogenic (PMID: 11799392, 20301550). This variant is not present in population databases (gnomAD no frequency). This variant has not been reported in the literature in individuals affected with SMARCAL1-related conditions. ClinVar contains an entry for this variant (Variation ID: 3585594). Algorithms developed to predict the effect of sequence changes on RNA splicing suggest that this variant may disrupt the consensus splice site. For these reasons, this variant has been classified as Pathogenic.

Fulgent Genetics
Classification: Likely pathogenic for Schimke immuno-osseous dysplasia. Last evaluated: 2024-03-08. Review status: criteria provided, single submitter. Criteria: ACMG Guidelines, 2015. Collection method: clinical testing. Allele origin: germline.

Literature cited by the submitters: PubMed 11799392 (cited by Labcorp Genetics (formerly Invitae), Labcorp); PubMed 20301550 (cited by Labcorp Genetics (formerly Invitae), Labcorp).

NM_014140.4(SMARCAL1):c.709C>T (p.Gln237Ter)

Gene: SMARCAL1 (SNF2 related chromatin remodeling annealing helicase 1; plus strand). Cytogenetic location: 2q35.
Variant type: single nucleotide variant.
Coding change: c.709C>T on transcript NM_014140.4 (MANE Select); coding-DNA position 709, C replaced by T.
Protein change: p.Gln237Ter; replaces glutamine 237 with a stop codon.
Molecular consequence: nonsense.
Genome position (GRCh38, 1-based): chr2:216,415,413, C>T. VCF-style: chr2-216415413-C-T. GRCh37 (hg19) VCF-style: chr2-217280136-C-T.
Other names: c.709C>T, p.Gln237Ter (NM_001127207.2); short protein forms Q237*.
Identifiers: ClinVar variation 3585594 (VCV003585594.2).